The following is an entry in ClinVar:

NM_003482.4(KMT2D):c.11865_11870del (p.Gln3964_Gln3965del)

Gene: KMT2D (lysine methyltransferase 2D; minus strand). Cytogenetic location: 12q13.12.
Variant type: Deletion.
Coding change: c.11865_11870del on transcript NM_003482.4 (MANE Select); coding-DNA positions 11865 to 11870, 6 bases deleted (ACAACA; older notation c.11865_11870delACAACA).
Protein change: p.Gln3964_Gln3965del.
Molecular consequence: inframe deletion.
Genome position (GRCh38, 1-based): chr12:49,032,835-49,032,840, TGTTGT deleted on the plus strand (ACAACA on the coding strand, the reverse complement: KMT2D is on the minus strand). VCF-style (leftmost placement, unchanged base first): chr12-49032834-CTGTTGT-C. GRCh37 (hg19) VCF-style: chr12-49426617-CTGTTGT-C.
Identifiers: ClinVar variation 2090174 (VCV002090174.4), dbSNP rs2498360300, ClinGen allele CA2580085613.
Genomic context (GRCh38, chr12:49,032,834, plus strand): 5'-AAGGCCCATCTGCTGCTGTTGCTGCTGCTGTTGAAACTGCTGCTGTTGTTGTTGCTGTTG[CTGTTGT>C]AGCTGCTGTTGCTGCTGTTGAAGCTGTTGCTGCTGCTGTTGTTGAAGCTGCTGCTGCTGT-3'

ClinVar aggregate classification (germline): Uncertain significance (1 of 4 stars; one submission).

Conditions:
Kabuki syndrome. Also called: NIIKAWA-KUROKI SYNDROME; Kabuki make-up syndrome. Identifiers: Orphanet 2322, MedGen C0796004, MONDO:0016512.

Allele frequency attached by ClinVar (database versions not stated): gnomAD exomes below 0.00001.

Submission:

Labcorp Genetics (formerly Invitae), Labcorp
Classification: Uncertain significance for Kabuki syndrome. Last evaluated: 2024-12-16. Review status: criteria provided, single submitter. Criteria: Invitae Variant Classification Sherloc (09022015). Collection method: clinical testing. Allele origin: germline.
Comment: This variant, c.11865_11870del, results in the deletion of 2 amino acid(s) of the KMT2D protein (p.Gln3964_Gln3965del), but otherwise preserves the integrity of the reading frame. This variant is not present in population databases (gnomAD no frequency). This variant has not been reported in the literature in individuals affected with KMT2D-related conditions. ClinVar contains an entry for this variant (Variation ID: 2090174). Experimental studies and prediction algorithms are not available or were not evaluated, and the functional significance of this variant is currently unknown. In summary, the available evidence is currently insufficient to determine the role of this variant in disease. Therefore, it has been classified as a Variant of Uncertain Significance.